The following is an entry in ClinVar:

NM_001080414.4(CCDC88C):c.2568C>T (p.Asp856=)

Gene: CCDC88C (coiled-coil and HOOK domain protein 88C; minus strand). Cytogenetic location: 14q32.11.
Variant type: single nucleotide variant.
Coding change: c.2568C>T on transcript NM_001080414.4 (MANE Select); coding-DNA position 2568, C replaced by T.
Protein change: p.Asp856=; no amino-acid change (aspartic acid 856 retained).
Molecular consequence: synonymous variant.
Genome position (GRCh38, 1-based): chr14:91,313,248, G>A on the plus strand (C>T on the coding strand, the complement: CCDC88C is on the minus strand). VCF-style: chr14-91313248-G-A. GRCh37 (hg19) VCF-style: chr14-91779592-G-A.
Identifiers: ClinVar variation 731977 (VCV000731977.10), dbSNP rs371010464, ClinGen allele CA7309619.

ClinVar aggregate classification (germline): Benign. Review status: criteria provided, single submitter (1 of 4 stars). 2 submissions from 2 submitters: Benign (1). 1 of the submissions does not count toward it. Last evaluated 2026-02-02.

Conditions:
CCDC88C-related disorder. Also called: CCDC88C-related condition; CCDC88C-Related Disorders.

Allele frequency attached by ClinVar (database versions not stated): gnomAD 0.00006 and 0.00035; TOPMed 0.00007; ESP Exome Variant Server 0.00008; gnomAD exomes 0.00091; ExAC 0.00094; 1000 Genomes Project 0.00300; 1000 Genomes Project 30x 0.00375.
gnomAD v4.1: 727 of 1,613,980 alleles (0.045%); highest among the groups gnomAD compares: South Asian, 0.73%; 14 homozygotes.

Submissions (2):

Labcorp Genetics (formerly Invitae), Labcorp
Classification: Benign. Last evaluated: 2026-02-02. Review status: criteria provided, single submitter. Criteria: Invitae Variant Classification Sherloc (09022015). Collection method: clinical testing. Allele origin: germline.

PreventionGenetics, part of Exact Sciences
Classification: Likely benign for CCDC88C-related condition. Last evaluated: 2019-06-27. Review status: no assertion criteria provided. Collection method: clinical testing. Allele origin: germline. Not counted in ClinVar's aggregate classification.
Comment: This variant is classified as likely benign based on ACMG/AMP sequence variant interpretation guidelines (Richards et al. 2015 PMID: 25741868, with internal and published modifications).